The following is an entry in ClinVar:

ClinVar aggregate classification (germline): Likely pathogenic (1 of 4 stars; one submission).

Conditions:
Glycogen storage disease, type II (IOPD). Also called: Glucosidase acid-1,4-alpha deficiency; Pompe Disease; POMPE DISEASE, INFANTILE-ONSET; GLYCOGEN STORAGE DISEASE II, INFANTILE-ONSET; ACID ALPHA-GLUCOSIDASE DEFICIENCY, INFANTILE-ONSET; GAA DEFICIENCY, INFANTILE-ONSET. Identifiers: Orphanet 365, MedGen C0017921, MONDO:0009290, OMIM 232300.

Submission:

Labcorp Genetics (formerly Invitae), Labcorp
Classification: Likely pathogenic for Glycogen storage disease, type II. Last evaluated: 2021-10-19. Review status: criteria provided, single submitter. Criteria: Invitae Variant Classification Sherloc (09022015). Collection method: clinical testing. Allele origin: germline.
Comment: In summary, the currently available evidence indicates that the variant is pathogenic, but additional data are needed to prove that conclusively. Therefore, this variant has been classified as Likely Pathogenic. This sequence change replaces arginine, a(n) basic and polar amino acid, with glycine, a(n) neutral and non-polar amino acid, at codon 600 of the GAA protein (p.Arg600Gly). This variant is not present in population databases (gnomAD no frequency). This variant has not been reported in the literature in individuals affected with GAA-related conditions. Advanced modeling of protein sequence and biophysical properties (such as structural, functional, and spatial information, amino acid conservation, physicochemical variation, residue mobility, and thermodynamic stability) performed at Invitae indicates that this missense variant is expected to disrupt GAA protein function. This variant disrupts the p.Arg600 amino acid residue in GAA. Other variant(s) that disrupt this residue have been determined to be pathogenic (PMID: 11053688, 20202878, 25213570, 27344650, 29044175, 29124014). This suggests that this residue is clinically significant, and that variants that disrupt this residue are likely to be disease-causing.

Literature cited by the submitters: PubMed 11053688; PubMed 20202878; PubMed 25213570; PubMed 27344650; PubMed 29044175; PubMed 29124014.

NM_000152.5(GAA):c.1798C>G (p.Arg600Gly)

Gene: GAA (alpha glucosidase; plus strand). Cytogenetic location: 17q25.3.
Variant type: single nucleotide variant.
Coding change: c.1798C>G on transcript NM_000152.5 (MANE Select); coding-DNA position 1798, C replaced by G.
Protein change: p.Arg600Gly; replaces arginine 600 with glycine.
Molecular consequence: missense variant.
Genome position (GRCh38, 1-based): chr17:80,112,621, C>G. VCF-style: chr17-80112621-C-G. GRCh37 (hg19) VCF-style: chr17-78086420-C-G.
Other names: c.1798C>G, p.Arg600Gly (NM_001079803.3, NM_001079804.3); short protein forms R600G.
Identifiers: ClinVar variation 1510329 (VCV001510329.6), dbSNP rs764670084, ClinGen allele CA401369421.
Genomic context (GRCh38, chr17:80,112,621, plus strand): 5'-GTCCCCCACCACCCCAGGGCGCTGGTGAAGGCTCGGGGGACACGCCCATTTGTGATCTCC[C>G]GCTCGACCTTTGCTGGCCACGGCCGATACGCCGGCCACTGGACGGGGGACGTGTGGAGCT-3'
Protein context (NP_000143.2, residues 590-610): ARGTRPFVIS[Arg600Gly]STFAGHGRYA